The following is an entry in ClinVar:

NM_001042492.3(NF1):c.4577+1del

Gene: NF1 (neurofibromin 1; plus strand). Cytogenetic location: 17q11.2.
Variant type: Deletion.
Coding change: c.4577+1del on transcript NM_001042492.3 (MANE Select); the canonical splice donor site of the intron after coding-DNA position 4577, one base deleted (G; older notation c.4577+1delG).
Molecular consequence: splice donor variant.
Genome position (GRCh38, 1-based): chr17:31,260,516, G deleted; the last of 2 consecutive G bases (chr17:31,260,515-31,260,516); deleting either gives the same sequence. VCF-style (leftmost placement, unchanged base first): chr17-31260514-AG-A. GRCh37 (hg19) VCF-style: chr17-29587532-AG-A.
Other names: c.4514+1delG (NM_000267.3); c.4514+1del (NM_000267.4).
Identifiers: ClinVar variation 1741150 (VCV001741150.2), dbSNP rs2508422206, ClinGen allele CA2580093271.

ClinVar aggregate classification (germline): Likely pathogenic (1 of 4 stars; one submission).

Conditions:
Cardiovascular phenotype. Identifiers: MedGen CN230736.
Hereditary cancer-predisposing syndrome. Also called: Hereditary Cancer Syndrome; Hereditary neoplastic syndrome; Neoplastic Syndromes, Hereditary; Tumor predisposition. Identifiers: Orphanet 140162, MedGen C0027672, MeSH D009386, MONDO:0015356.

Submission:

Ambry Genetics
Classification: Likely pathogenic for Cardiovascular phenotype; Hereditary cancer-predisposing syndrome. Last evaluated: 2024-01-29. Review status: criteria provided, single submitter. Criteria: Ambry Variant Classification Scheme 2023. Collection method: clinical testing. Allele origin: germline.
Comment: The c.4514+1delG intronic variant, located in intron 33 of the NF1 gene, results from a deletion of one nucleotide within intron 33 of the NF1 gene. Alterations that disrupt the canonical splice site are expected to result in aberrant splicing. In silico splice site analysis predicts that this alteration will weaken the native splice donor site and will result in the creation or strengthening of a novel splice donor site. The resulting transcript is predicted to be in-frame and is not expected to trigger nonsense-mediated mRNAdecay; however, direct evidence is unavailable. The exact functional effect of the altered amino acid sequence is unknown; however, the impacted region is critical for protein function (Ambry internal data). This variant is considered to be rare based on population cohorts in the Genome Aggregation Database (gnomAD). This nucleotide position is highly conserved in available vertebrate species. Based on the majority of available evidence to date, this variant is likely to be pathogenic.